The following is an entry in ClinVar:

ClinVar aggregate classification (germline): Pathogenic. Review status: criteria provided, multiple submitters, no conflicts (2 of 4 stars). 2 submissions from 2 submitters: Pathogenic (2). Last evaluated 2021-07-06.

Conditions:
Deafness-lymphedema-leukemia syndrome. Also called: Lymphedema, primary, with myelodysplasia; Emberger syndrome. Identifiers: Orphanet 3226, MedGen C3279664, MONDO:0013540, OMIM 614038.
GATA2 deficiency with susceptibility to MDS/AML. Identifiers: MedGen CN300066, MONDO:0042982.

Submissions (2):

Molecular Pathology Research Laboratory, SA Pathology
Classification: Pathogenic for GATA2 deficiency with susceptibility to MDS/AML; Deafness-lymphedema-leukemia syndrome. Last evaluated: 2021-07-06. Review status: criteria provided, single submitter. Criteria: ACMG Guidelines, 2015. Collection method: curation. Allele origin: unknown. Inheritance: Autosomal dominant inheritance. Affected: yes. Observed: 1 variant allele.
Comment: PVS1, PS4_Supporting, PM2

PreventionGenetics, part of Exact Sciences
Classification: Pathogenic. Last evaluated: 2015-07-01. Review status: criteria provided, single submitter. Criteria: ACMG Guidelines, 2015. Collection method: clinical testing. Allele origin: germline.

Literature cited by the submitters: PubMed 32088370 (cited by Molecular Pathology Research Laboratory, SA Pathology).

NM_032638.5(GATA2):c.561dup (p.Thr188fs)

Gene: GATA2 (GATA binding protein 2; minus strand). Cytogenetic location: 3q21.3.
Variant type: Duplication.
Coding change: c.561dup on transcript NM_032638.5 (MANE Select); coding-DNA position 561, one base duplicated (C; older notation c.561dupC).
Protein change: p.Thr188fs; shifts the reading frame from threonine 188.
Molecular consequence: frameshift variant.
Genome position (GRCh38, 1-based): chr3:128,486,037, G duplicated on the plus strand (C on the coding strand, the reverse complement: GATA2 is on the minus strand); the first of 2 consecutive G bases (chr3:128,486,037-128,486,038); duplicating either gives the same sequence. VCF-style (leftmost placement, unchanged base first): chr3-128486036-T-TG. GRCh37 (hg19) VCF-style: chr3-128204879-T-TG.
Other names: c.561dup, p.Thr188fs (NM_001145661.2, NM_001145662.1); short protein forms T188fs.
Identifiers: ClinVar variation 800689 (VCV000800689.3), dbSNP rs1576748738, ClinGen allele CA915941569.